The following is an entry in ClinVar:

NM_002972.4(SBF1):c.3934C>T (p.Arg1312Cys)

Gene: SBF1 (SET binding factor 1; minus strand). Cytogenetic location: 22q13.33.
Variant type: single nucleotide variant.
Coding change: c.3934C>T on transcript NM_002972.4 (MANE Select); coding-DNA position 3934, C replaced by T.
Protein change: p.Arg1312Cys; replaces arginine 1312 with cysteine.
Molecular consequence: missense variant.
Genome position (GRCh38, 1-based): chr22:50,456,644, G>A on the plus strand (C>T on the coding strand, the complement: SBF1 is on the minus strand). VCF-style: chr22-50456644-G-A. GRCh37 (hg19) VCF-style: chr22-50895073-G-A.
Other names: c.3859C>T, p.Arg1287Cys (NM_001365819.1); c.3934C>T (NM_002972.2); short protein forms R1287C, R1312C.
Identifiers: ClinVar variation 1397063 (VCV001397063.9), dbSNP rs567286954, ClinGen allele CA10316470.

ClinVar aggregate classification (germline): Uncertain significance. Review status: criteria provided, multiple submitters, no conflicts (2 of 4 stars). 3 submissions from 3 submitters: Uncertain significance (3). Last evaluated 2025-11-18.

Allele frequency attached by ClinVar (database versions not stated): gnomAD 0.00008 and 0.00009; gnomAD exomes 0.00008 and 0.00016; TOPMed 0.00011; 1000 Genomes Project 0.00020; ExAC 0.00029; 1000 Genomes Project 30x 0.00031.

Submissions (3):

GeneDx
Classification: Uncertain significance. Last evaluated: 2025-11-18. Review status: criteria provided, single submitter. Criteria: GeneDx Variant Classification Process June 2021. Collection method: clinical testing. Allele origin: germline.
Comment: In silico analysis supports that this missense variant has a deleterious effect on protein structure/function; Has not been previously published as pathogenic or benign to our knowledge

Ambry Genetics
Classification: Uncertain significance. Last evaluated: 2025-06-24. Review status: criteria provided, single submitter. Criteria: Ambry Variant Classification Scheme 2023. Collection method: clinical testing. Allele origin: germline.

Labcorp Genetics (formerly Invitae), Labcorp
Classification: Uncertain significance. Last evaluated: 2022-05-14. Review status: criteria provided, single submitter. Criteria: Invitae Variant Classification Sherloc (09022015). Collection method: clinical testing. Allele origin: germline.
Comment: This sequence change replaces arginine, which is basic and polar, with cysteine, which is neutral and slightly polar, at codon 1312 of the SBF1 protein (p.Arg1312Cys). This variant is present in population databases (rs567286954, gnomAD 0.09%). This variant has not been reported in the literature in individuals affected with SBF1-related conditions. Algorithms developed to predict the effect of missense changes on protein structure and function are either unavailable or do not agree on the potential impact of this missense change (SIFT: "Deleterious"; PolyPhen-2: "Possibly Damaging"; Align-GVGD: "Class C0"). In summary, the available evidence is currently insufficient to determine the role of this variant in disease. Therefore, it has been classified as a Variant of Uncertain Significance.